The following is an entry in ClinVar:

ClinVar aggregate classification (germline): Uncertain significance. Review status: criteria provided, multiple submitters, no conflicts (2 of 4 stars). 2 submissions from 2 submitters: Uncertain significance (2). Last evaluated 2022-02-22.

Conditions:
X-linked Emery-Dreifuss muscular dystrophy. Also called: Muscular dystrophy, tardive Emery-Dreifuss type, with contractures. Identifiers: Orphanet 261, Orphanet 98863, MedGen C0751337, MONDO:0010680.

Submissions (2):

Labcorp Genetics (formerly Invitae), Labcorp
Classification: Uncertain significance for X-linked Emery-Dreifuss muscular dystrophy. Last evaluated: 2022-02-22. Review status: criteria provided, single submitter. Criteria: Invitae Variant Classification Sherloc (09022015). Collection method: clinical testing. Allele origin: germline.
Comment: In summary, the available evidence is currently insufficient to determine the role of this variant in disease. Therefore, it has been classified as a Variant of Uncertain Significance. Algorithms developed to predict the effect of missense changes on protein structure and function are either unavailable or do not agree on the potential impact of this missense change (SIFT: "Tolerated"; PolyPhen-2: "Probably Damaging"; Align-GVGD: "Class C0"). ClinVar contains an entry for this variant (Variation ID: 201779). This sequence change replaces proline, which is neutral and non-polar, with leucine, which is neutral and non-polar, at codon 22 of the EMD protein (p.Pro22Leu). This variant is not present in population databases (gnomAD no frequency). This variant has not been reported in the literature in individuals affected with EMD-related conditions.

GeneDx
Classification: Uncertain significance. Last evaluated: 2014-08-05. Review status: criteria provided, single submitter. Criteria: GeneDx Variant Classification (06012015). Collection method: clinical testing. Allele origin: germline. Affected: yes.
Comment: p.Pro22Leu c.65 CCG>CTG in exon 1 of the EMD gene (NM_000117.2): A variant of unknown significance has been identified in the EMD gene. To our knowledge, the P22L variant has not been published as a mutation or as a benign polymorphism. The P22L variant was not observed in approximately 6,000 individuals of European and African American ancestry in the NHLBI Exome Sequencing Project, indicating it is not a common benign variant in these populations. This substitution occurs at a position that is mostly conserved in mammals. In silico analysis predicts this variant is probably damaging to the protein structure/function. However, the P22L variant is a conservative amino acid substitution, which is not likely to impact secondary protein structure as these residues share similar properties. Therefore, based on the currently available information, it is unclear whether this variant is a pathogenic mutation or a rare benign variant. The variant is found in DCM-CRDM panel(s).

NM_000117.3(EMD):c.65C>T (p.Pro22Leu)

Gene: EMD (emerin; plus strand). Cytogenetic location: Xq28.
Variant type: single nucleotide variant.
Coding change: c.65C>T on transcript NM_000117.3 (MANE Select); coding-DNA position 65, C replaced by T.
Protein change: p.Pro22Leu; replaces proline 22 with leucine.
Molecular consequence: missense variant.
Genome position (GRCh38, 1-based): chrX:154,379,549, C>T. VCF-style: chrX-154379549-C-T. GRCh37 (hg19) VCF-style: chrX-153607909-C-T.
Other names: p.P22L:CCG>CTG; short protein forms P22L.
Identifiers: ClinVar variation 201779 (VCV000201779.11), dbSNP rs794729017, ClinGen allele CA335165.